The following is an entry in ClinVar:

NM_000218.3(KCNQ1):c.1514+34253G>A

Genes: KCNQ1 (potassium voltage-gated channel subfamily Q member 1; plus strand), KCNQ1OT1 (KCNQ1 opposite strand/antisense transcript 1; minus strand). Cytogenetic location: 11p15.5.
Variant type: single nucleotide variant.
Coding change: c.1514+34253G>A on transcript NM_000218.3 (MANE Select); 34253 bases into the intron after coding-DNA position 1514, G replaced by A.
Molecular consequence: intron variant.
Genome position (GRCh38, 1-based): chr11:2,696,334, G>A. VCF-style: chr11-2696334-G-A. GRCh37 (hg19) VCF-style: chr11-2717564-G-A.
Other names: c.1244+34253G>A (NM_001406837.1); c.1418+34253G>A (NM_001406836.1); c.974+34253G>A (NM_001406838.1); c.1133+34253G>A (NM_181798.2); c.1514+34253G>A (NM_000218.2).
Identifiers: ClinVar variation 1701169 (VCV001701169.32), dbSNP rs191910825, ClinGen allele CA216196419.

ClinVar aggregate classification (germline): Benign. Review status: criteria provided, single submitter (1 of 4 stars). 2 submissions from 2 submitters: Benign (1). 1 of the submissions does not count toward it. Last evaluated 2026-08-01.

Conditions:
KCNQ1-related disorder. Also called: KCNQ1-related disorders; KCNQ1-related condition. Identifiers: MedGen CN239322.

Allele frequency attached by ClinVar (database versions not stated): 1000 Genomes Project 0.00160; 1000 Genomes Project 30x 0.00203; TOPMed 0.00341; gnomAD 0.00357 and 0.00358; gnomAD exomes 0.00483.
gnomAD v4.1: 1,738 of 398,590 alleles (0.44%); highest among the groups gnomAD compares: Non-Finnish European, 0.62%; no homozygotes.

Submissions (2):

CeGaT Center for Human Genetics Tuebingen
Classification: Benign. Last evaluated: 2026-08-01. Review status: criteria provided, single submitter. Criteria: CeGaT Center For Human Genetics Tuebingen Variant Classification Criteria Version 2. Collection method: clinical testing. Allele origin: germline. Affected: yes. Observed: 26 variant alleles.
Comment: KCNQ1OT1: BS1, BS2

PreventionGenetics, part of Exact Sciences
Classification: Likely benign for KCNQ1-related condition. Last evaluated: 2022-02-22. Review status: no assertion criteria provided. Collection method: clinical testing. Allele origin: germline. Not counted in ClinVar's aggregate classification.
Comment: This variant is classified as likely benign based on ACMG/AMP sequence variant interpretation guidelines (Richards et al. 2015 PMID: 25741868, with internal and published modifications).